The following is an entry in ClinVar:

NM_000057.4(BLM):c.28C>T (p.Gln10Ter)

Gene: BLM (BLM RecQ like helicase; plus strand). Cytogenetic location: 15q26.1.
Variant type: single nucleotide variant.
Coding change: c.28C>T on transcript NM_000057.4 (MANE Select); coding-DNA position 28, C replaced by T.
Protein change: p.Gln10Ter; replaces glutamine 10 with a stop codon.
Molecular consequence: nonsense. On other transcripts: 5 prime UTR variant (1).
Genome position (GRCh38, 1-based): chr15:90,747,420, C>T. VCF-style: chr15-90747420-C-T. GRCh37 (hg19) VCF-style: chr15-91290650-C-T.
Other names: c.28C>T (NM_000057.3); c.28C>T, p.Gln10Ter (NM_001287246.2, NM_001287247.2); c.-1264C>T (NM_001287248.2); short protein forms Q10*.
Identifiers: ClinVar variation 1929462 (VCV001929462.8), dbSNP rs776826506, ClinGen allele CA7738226.
Genomic context (GRCh38, chr15:90,747,420, plus strand): 5'-CACTGATTTCTTTTTCCCTCACTTTTTAGGATTATGGCTGCTGTTCCTCAAAATAATCTA[C>T]AGGAGCAACTAGAACGTCACTCAGCCAGAACACTTAATAATAAATTAAGTCTTTCAAAAC-3'

ClinVar aggregate classification (germline): Pathogenic/Likely pathogenic. Review status: criteria provided, multiple submitters, no conflicts (2 of 4 stars). 3 submissions from 3 submitters: Pathogenic (2); Likely pathogenic (1). Last evaluated 2025-10-27.

Conditions:
Bloom syndrome (BLM). Also called: Bloom-Torre-Machacek syndrome. Identifiers: Orphanet 125, MedGen C0005859, MONDO:0008876, OMIM 210900.

Allele frequency attached by ClinVar (database versions not stated): ExAC 0.00001.

Submissions (3):

Myriad Genetics, Inc.
Classification: Pathogenic for Bloom syndrome. Last evaluated: 2025-10-27. Review status: criteria provided, single submitter. Criteria: Myriad Autosomal Dominant, Autosomal Recessive and X-Linked Classification Criteria (2023). Collection method: clinical testing. Allele origin: unknown.
Comment: NM_000057.3(BLM):c.28C>T(Q10*) is a nonsense variant classified as pathogenic in the context of Bloom syndrome. Q10* has not been observed in cases with relevant disease. Relevant functional assessments of this variant are not available in the literature. Q10* has not been observed in referenced population frequency databases. In summary, NM_000057.3(BLM):c.28C>T(Q10*) is a nonsense variant in a gene where loss of function is a known mechanism of disease and is predicted to disrupt protein function. Please note: this variant was assessed in the context of healthy population screening.

Natera, Inc.
Classification: Likely pathogenic for Bloom syndrome. Last evaluated: 2025-05-15. Review status: criteria provided, single submitter. Criteria: Natera Variant Classification Schema (03/2026). Collection method: clinical testing. Allele origin: germline.
Comment: The c.28C>T variant in BLM is a nonsense variant predicted to introduce a stop codon at amino acid 10. This variant is expected to result in nonsense mediated decay, truncation, or a dysfunctional protein product. This variant is rare in the general population with a frequency below the threshold expected for the associated phenotype(s). Given the available evidence, this variant is classified as Likely Pathogenic.

Labcorp Genetics (formerly Invitae), Labcorp
Classification: Pathogenic for Bloom syndrome. Last evaluated: 2022-09-22. Review status: criteria provided, single submitter. Criteria: Invitae Variant Classification Sherloc (09022015). Collection method: clinical testing. Allele origin: germline.
Comment: For these reasons, this variant has been classified as Pathogenic. Algorithms developed to predict the effect of sequence changes on RNA splicing suggest that this variant may disrupt the consensus splice site. This variant has not been reported in the literature in individuals affected with BLM-related conditions. The frequency data for this variant in the population databases is considered unreliable, as metrics indicate poor data quality at this position in the gnomAD database. This sequence change creates a premature translational stop signal (p.Gln10*) in the BLM gene. It is expected to result in an absent or disrupted protein product. Loss-of-function variants in BLM are known to be pathogenic (PMID: 17407155).

Literature cited by the submitters: PubMed 17407155 (cited by Labcorp Genetics (formerly Invitae), Labcorp).